The following is an entry in ClinVar:

ClinVar aggregate classification (germline): Benign. Review status: criteria provided, multiple submitters, no conflicts (2 of 4 stars). 6 submissions from 6 submitters: Benign (6). Last evaluated 2026-02-03.

Allele frequency attached by ClinVar (database versions not stated): gnomAD exomes 0.00830 and 0.00475; gnomAD 0.02734 and 0.02903; 1000 Genomes Project 30x 0.02998; 1000 Genomes Project 0.03055; ExAC 0.01044; ESP Exome Variant Server 0.02791.
gnomAD v4.1: 11,181 of 1,610,752 alleles (0.69%); highest among the groups gnomAD compares: African/African-American, 8.5%; 332 homozygotes.

Submissions (6):

Labcorp Genetics (formerly Invitae), Labcorp
Classification: Benign. Last evaluated: 2026-02-03. Review status: criteria provided, single submitter. Criteria: Invitae Variant Classification Sherloc (09022015). Collection method: clinical testing. Allele origin: germline.

Athena Diagnostics
Classification: Benign. Last evaluated: 2025-08-27. Review status: criteria provided, single submitter. Criteria: Athena Diagnostics Criteria. Collection method: clinical testing. Allele origin: unknown.
Comment: The frequency of this variant in the general population is higher than would generally be expected for pathogenic variants in this gene.

Mayo Clinic Laboratories, Mayo Clinic
Classification: Benign. Last evaluated: 2021-11-04. Review status: criteria provided, single submitter. Criteria: ACMG Guidelines, 2015. Collection method: clinical testing. Allele origin: germline. Observed: 3 variant alleles.

GeneDx
Classification: Benign. Last evaluated: 2014-03-31. Review status: criteria provided, single submitter. Criteria: GeneDx Variant Classification (06012015). Collection method: clinical testing. Allele origin: germline. Affected: yes.
Comment: This variant is considered likely benign or benign based on one or more of the following criteria: it is a conservative change, it occurs at a poorly conserved position in the protein, it is predicted to be benign by multiple in silico algorithms, and/or has population frequency not consistent with disease.

Genetic Services Laboratory, University of Chicago
Classification: Benign. Last evaluated: 2013-02-08. Review status: criteria provided, single submitter. Criteria: ACMG Guidelines, 2007. Collection method: clinical testing. Allele origin: germline. Inheritance: Autosomal dominant inheritance.

Breakthrough Genomics
Classification: Benign. Review status: criteria provided, single submitter. Criteria: ACMG Guidelines, 2015. Collection method: not provided. Allele origin: germline. Inheritance: Autosomal dominant inheritance. Affected: yes.

NM_006009.4(TUBA1A):c.522G>A (p.Ala174=)

Gene: TUBA1A (tubulin alpha 1a; minus strand). Cytogenetic location: 12q13.12.
Variant type: single nucleotide variant.
Coding change: c.522G>A on transcript NM_006009.4 (MANE Select); coding-DNA position 522, G replaced by A.
Protein change: p.Ala174=; no amino-acid change (alanine 174 retained).
Molecular consequence: synonymous variant.
Genome position (GRCh38, 1-based): chr12:49,185,844, C>T on the plus strand (G>A on the coding strand, the complement: TUBA1A is on the minus strand). VCF-style: chr12-49185844-C-T. GRCh37 (hg19) VCF-style: chr12-49579627-C-T.
Other names: p.A174A:GCG>GCA; p.Ala174=; c.522G>A, p.Ala174= (NM_001270399.2); c.417G>A, p.Ala139= (NM_001270400.2).
Identifiers: ClinVar variation 137850 (VCV000137850.16), dbSNP rs61730859, ClinGen allele CA173760.